The following is an entry in ClinVar:

NM_000143.4(FH):c.163G>T (p.Asp55Tyr)

Gene: FH (fumarate hydratase; minus strand). Cytogenetic location: 1q43.
Variant type: single nucleotide variant.
Coding change: c.163G>T on transcript NM_000143.4 (MANE Select); coding-DNA position 163, G replaced by T.
Protein change: p.Asp55Tyr; replaces aspartic acid 55 with tyrosine.
Molecular consequence: missense variant.
Genome position (GRCh38, 1-based): chr1:241,517,286, C>A on the plus strand (G>T on the coding strand, the complement: FH is on the minus strand). VCF-style: chr1-241517286-C-A. GRCh37 (hg19) VCF-style: chr1-241680586-C-A.
Other names: short protein forms D55Y.
Identifiers: ClinVar variation 2809393 (VCV002809393.4), dbSNP rs1660245455, ClinGen allele CA345441972.

ClinVar aggregate classification (germline): Uncertain significance. Review status: criteria provided, multiple submitters, no conflicts (2 of 4 stars). 2 submissions from 2 submitters: Uncertain significance (2). Last evaluated 2026-07-07.

Conditions:
Hereditary cancer-predisposing syndrome. Also called: Hereditary Cancer Syndrome; Hereditary neoplastic syndrome; Neoplastic Syndromes, Hereditary; Tumor predisposition. Identifiers: Orphanet 140162, MedGen C0027672, MeSH D009386, MONDO:0015356.

Submissions (2):

Ambry Genetics
Classification: Uncertain significance for Hereditary cancer-predisposing syndrome. Last evaluated: 2026-07-07. Review status: criteria provided, single submitter. Criteria: Ambry Variant Classification Scheme 2023. Collection method: clinical testing. Allele origin: germline.
Comment: The p.D55Y variant (also known as c.163G>T), located in coding exon 2 of the FH gene, results from a G to T substitution at nucleotide position 163. The aspartic acid at codon 55 is replaced by tyrosine, an amino acid with highly dissimilar properties. This amino acid position is conserved. In addition, this alteration is predicted to be deleterious by in silico analysis. Based on the available evidence, the clinical significance of this variant remains unclear.

Labcorp Genetics (formerly Invitae), Labcorp
Classification: Uncertain significance. Last evaluated: 2022-10-23. Review status: criteria provided, single submitter. Criteria: Invitae Variant Classification Sherloc (09022015). Collection method: clinical testing. Allele origin: germline.
Comment: This variant has not been reported in the literature in individuals affected with FH-related conditions. This variant is not present in population databases (gnomAD no frequency). This sequence change replaces aspartic acid, which is acidic and polar, with tyrosine, which is neutral and polar, at codon 55 of the FH protein (p.Asp55Tyr). Advanced modeling of protein sequence and biophysical properties (such as structural, functional, and spatial information, amino acid conservation, physicochemical variation, residue mobility, and thermodynamic stability) performed at Invitae indicates that this missense variant is expected to disrupt FH protein function. In summary, the available evidence is currently insufficient to determine the role of this variant in disease. Therefore, it has been classified as a Variant of Uncertain Significance.